The following is an entry in ClinVar:

ClinVar aggregate classification (germline): Pathogenic (1 of 4 stars; one submission).

Conditions:
LAMA2-related muscular dystrophy (LAMA2-RD). Also called: Laminin alpha 2-related dystrophy. Identifiers: MedGen C5679788, MONDO:0100228.

gnomAD v4.1: 1 of 1,614,138 alleles (0.000062%); highest among the groups gnomAD compares: Non-Finnish European, 0.000085%; no homozygotes.

Submission:

Labcorp Genetics (formerly Invitae), Labcorp
Classification: Pathogenic for LAMA2-related muscular dystrophy. Last evaluated: 2022-07-01. Review status: criteria provided, single submitter. Criteria: Invitae Variant Classification Sherloc (09022015). Collection method: clinical testing. Allele origin: germline.
Comment: For these reasons, this variant has been classified as Pathogenic. This variant has not been reported in the literature in individuals affected with LAMA2-related conditions. This variant is not present in population databases (gnomAD no frequency). This sequence change creates a premature translational stop signal (p.Gln1203*) in the LAMA2 gene. It is expected to result in an absent or disrupted protein product. Loss-of-function variants in LAMA2 are known to be pathogenic (PMID: 18700894, 32904964).

Literature cited by the submitters: PubMed 18700894; PubMed 32904964.

NM_000426.4(LAMA2):c.3607C>T (p.Gln1203Ter)

Gene: LAMA2 (laminin subunit alpha 2; plus strand). Cytogenetic location: 6q22.33.
Variant type: single nucleotide variant.
Coding change: c.3607C>T on transcript NM_000426.4 (MANE Select); coding-DNA position 3607, C replaced by T.
Protein change: p.Gln1203Ter; replaces glutamine 1203 with a stop codon.
Molecular consequence: nonsense.
Genome position (GRCh38, 1-based): chr6:129,315,527, C>T. VCF-style: chr6-129315527-C-T. GRCh37 (hg19) VCF-style: chr6-129636672-C-T.
Other names: c.3607C>T, p.Gln1203Ter (NM_001079823.2); short protein forms Q1203*.
Identifiers: ClinVar variation 2116843 (VCV002116843.4), dbSNP rs745363589, ClinGen allele CA365612741.
Genomic context (GRCh38, chr6:129,315,527, plus strand): 5'-CCCTTGCAGGTGACTCTGAAGGCTGAGCAGACCATTCTACCCCTGGTAGATGAGGCTCTG[C>T]AGCACACGACCACCAAGGGCATTGTTTTTCAACATCCAGAGATTGTTGCCCACATGGACC-3'